The following is an entry in ClinVar:

NM_005559.4(LAMA1):c.8213C>G (p.Ser2738Trp)

Gene: LAMA1 (laminin subunit alpha 1; minus strand). Cytogenetic location: 18p11.31.
Variant type: single nucleotide variant.
Coding change: c.8213C>G on transcript NM_005559.4 (MANE Select); coding-DNA position 8213, C replaced by G.
Protein change: p.Ser2738Trp; replaces serine 2738 with tryptophan.
Molecular consequence: missense variant.
Genome position (GRCh38, 1-based): chr18:6,950,966, G>C on the plus strand (C>G on the coding strand, the complement: LAMA1 is on the minus strand). VCF-style: chr18-6950966-G-C. GRCh37 (hg19) VCF-style: chr18-6950965-G-C.
Other names: short protein forms S2738W.
Identifiers: ClinVar variation 1310431 (VCV001310431.2), dbSNP rs1203624335, ClinGen allele CA401839258.

ClinVar aggregate classification (germline): Uncertain significance (1 of 4 stars; one submission).

Allele frequency attached by ClinVar (database versions not stated): gnomAD exomes below 0.00001.

Submission:

GeneDx
Classification: Uncertain significance. Last evaluated: 2019-11-25. Review status: criteria provided, single submitter. Criteria: GeneDx Variant Classification Process June 2021. Collection method: clinical testing. Allele origin: germline. Affected: yes.
Comment: In silico analysis, which includes protein predictors and evolutionary conservation, supports a deleterious effect; Has not been previously published as pathogenic or benign to our knowledge